The following is an entry in ClinVar:

ClinVar aggregate classification (germline): Uncertain significance (1 of 4 stars; one submission).

Submission:

Labcorp Genetics (formerly Invitae), Labcorp
Classification: Uncertain significance. Last evaluated: 2024-06-10. Review status: criteria provided, single submitter. Criteria: Invitae Variant Classification Sherloc (09022015). Collection method: clinical testing. Allele origin: germline.
Comment: This sequence change replaces glutamine, which is neutral and polar, with glutamic acid, which is acidic and polar, at codon 115 of the ARID1B protein (p.Gln115Glu). This variant is not present in population databases (gnomAD no frequency). This variant has not been reported in the literature in individuals affected with ARID1B-related conditions. Experimental studies and prediction algorithms are not available or were not evaluated, and the functional significance of this variant is currently unknown. In summary, the available evidence is currently insufficient to determine the role of this variant in disease. Therefore, it has been classified as a Variant of Uncertain Significance.

NM_001374828.1(ARID1B):c.592C>G (p.Gln198Glu)

Genes: ARID1B (AT-rich interaction domain 1B; plus strand), LOC115308161 (uncharacterized LOC115308161; minus strand). Cytogenetic location: 6q25.3.
Variant type: single nucleotide variant.
Coding change: c.592C>G on transcript NM_001374828.1 (MANE Select); coding-DNA position 592, C replaced by G.
Protein change: p.Gln198Glu; replaces glutamine 198 with glutamic acid.
Molecular consequence: missense variant. On other transcripts: non-coding transcript variant (1).
Genome position (GRCh38, 1-based): chr6:156,778,272, C>G. VCF-style: chr6-156778272-C-G. GRCh37 (hg19) VCF-style: chr6-157099406-C-G.
Other names: c.592C>G, p.Gln198Glu (NM_001371656.1, NM_001374820.1, NM_017519.3); short protein forms Q198E.
Identifiers: ClinVar variation 3604855 (VCV003604855.2).